The following is an entry in ClinVar:

NM_000092.5(COL4A4):c.3755del (p.Lys1252fs)

Gene: COL4A4 (collagen type IV alpha 4 chain; minus strand). Cytogenetic location: 2q36.3.
Variant type: Deletion.
Coding change: c.3755del on transcript NM_000092.5 (MANE Select); coding-DNA position 3755, one base deleted (A; older notation c.3755delA).
Protein change: p.Lys1252fs; shifts the reading frame from lysine 1252.
Molecular consequence: frameshift variant.
Genome position (GRCh38, 1-based): chr2:227,032,007, T deleted on the plus strand (A on the coding strand, the reverse complement: COL4A4 is on the minus strand); the first of 2 consecutive T bases (chr2:227,032,007-227,032,008); deleting either gives the same sequence. VCF-style (leftmost placement, unchanged base first): chr2-227032006-CT-C. GRCh37 (hg19) VCF-style: chr2-227896722-CT-C.
Other names: short protein forms K1252fs.
Identifiers: ClinVar variation 1725248 (VCV001725248.2), dbSNP rs2473342112, ClinGen allele CA2580065868.

ClinVar aggregate classification (germline): Likely pathogenic (1 of 4 stars; one submission).

Conditions:
Autosomal recessive Alport syndrome (ATS2). Also called: COL4A3-Related Nephropathy; COL4A4 Alport Syndrome and Thin Basement Membrane Nephropathy; ALPORT SYNDROME 2, AUTOSOMAL RECESSIVE; Alport syndrome type 2. Identifiers: Orphanet 63, Orphanet 88919, MedGen C4746745, MONDO:0008762, OMIM 203780.

Submission:

Myriad Genetics, Inc.
Classification: Likely pathogenic for Autosomal recessive Alport syndrome. Last evaluated: 2021-12-02. Review status: criteria provided, single submitter. Criteria: Myriad Women's Health Autosomal Recessive and X-Linked Classification Criteria (2021). Collection method: clinical testing. Allele origin: unknown.
Comment: NM_000092.4(COL4A4):c.3755delA(K1252Rfs*36) is expected to be pathogenic in the context of COL4A4-related Alport syndrome. This variant is predicted to lead to an abnormal or absent protein product due to the creation of a premature termination codon in COL4A4, a gene where loss-of-function variants are known to be pathogenic. Please note: this variant was assessed in the context of healthy population screening.